The following is an entry in ClinVar:

ClinVar aggregate classification (germline): Uncertain significance (1 of 4 stars; one submission).

Submission:

Ambry Genetics
Classification: Uncertain significance. Last evaluated: 2026-07-04. Review status: criteria provided, single submitter. Criteria: Ambry Variant Classification Scheme 2023. Collection method: clinical testing. Allele origin: germline.
Comment: The p.D149G variant (also known as c.446A>G), located in coding exon 3 of the GEN1 gene, results from an A to G substitution at nucleotide position 446. The aspartic acid at codon 149 is replaced by glycine, an amino acid with similar properties. This amino acid position is conserved. In addition, this alteration is predicted to be deleterious by in silico analysis. Based on the available evidence, the clinical significance of this variant remains unclear.

NM_001130009.3(GEN1):c.446A>G (p.Asp149Gly)

Gene: GEN1 (GEN1 structure-specific endonuclease; plus strand). Cytogenetic location: 2p24.2.
Variant type: single nucleotide variant.
Coding change: c.446A>G on transcript NM_001130009.3 (MANE Select); coding-DNA position 446, A replaced by G.
Protein change: p.Asp149Gly; replaces aspartic acid 149 with glycine.
Molecular consequence: missense variant.
Genome position (GRCh38, 1-based): chr2:17,764,994, A>G. VCF-style: chr2-17764994-A-G. GRCh37 (hg19) VCF-style: chr2-17946261-A-G.
Other names: c.446A>G, p.Asp149Gly (NM_182625.5); short protein forms D149G.
Identifiers: ClinVar variation 5022293 (VCV005022293.1).